The following is an entry in ClinVar:

NM_000334.4(SCN4A):c.3749T>G (p.Met1250Arg)

Genes: GH-LCR (growth hormone locus control region; plus strand), SCN4A (sodium voltage-gated channel alpha subunit 4; minus strand). Cytogenetic location: 17q23.3.
Variant type: single nucleotide variant.
Coding change: c.3749T>G on transcript NM_000334.4 (MANE Select); coding-DNA position 3749, T replaced by G.
Protein change: p.Met1250Arg; replaces methionine 1250 with arginine.
Molecular consequence: missense variant.
Genome position (GRCh38, 1-based): chr17:63,945,032, A>C on the plus strand (T>G on the coding strand, the complement: SCN4A is on the minus strand). VCF-style: chr17-63945032-A-C. GRCh37 (hg19) VCF-style: chr17-62022392-A-C.
Other names: short protein forms M1250R.
Identifiers: ClinVar variation 3382003 (VCV003382003.2).

ClinVar aggregate classification (germline): Likely pathogenic (1 of 4 stars; one submission).

Conditions:
Congenital myopathy 22A, classic (CMYO22A). Identifiers: MedGen C5830453, MONDO:0957247, OMIM 620351.

Submission:

Juno Genomics, Hangzhou Juno Genomics, Inc
Classification: Likely pathogenic for Congenital myopathy 22A, classic. Review status: criteria provided, single submitter. Criteria: ACMG Guidelines, 2015. Collection method: clinical testing. Allele origin: germline. Affected: yes.
Comment: Absent from controls (or at extremely low frequency if recessive) in Genome Aggregation Database, Exome Sequencing Project, 1000 Genomes Project, or Exome Aggregation Consortium.;Multiple lines of computational evidence support a deleterious effect on the gene or gene product (conservation, evolutionary, splicing impact, etc).;For recessive disorders, detected in trans with a pathogenic variant.